The following is an entry in ClinVar:

ClinVar aggregate classification (germline): Pathogenic (1 of 4 stars; one submission).

Conditions:
Charcot-Marie-Tooth disease type 4. Also called: Charcot-Marie-Tooth disease, type IV; Charcot-Marie-Tooth, Type 4. Identifiers: Orphanet 64749, MedGen C4082197, MONDO:0018995.

Submission:

Labcorp Genetics (formerly Invitae), Labcorp
Classification: Pathogenic for Charcot-Marie-Tooth disease type 4. Last evaluated: 2023-12-15. Review status: criteria provided, single submitter. Criteria: Invitae Variant Classification Sherloc (09022015). Collection method: clinical testing. Allele origin: germline.
Comment: This sequence change creates a premature translational stop signal (p.Lys788*) in the PRX gene. While this is not anticipated to result in nonsense mediated decay, it is expected to disrupt the last 674 amino acid(s) of the PRX protein. This variant is not present in population databases (gnomAD no frequency). This variant has not been reported in the literature in individuals affected with PRX-related conditions. This variant disrupts a region of the PRX protein in which other variant(s) (p.Gln1168*) have been determined to be pathogenic (PMID: 21840889, 24078732, 29858556). This suggests that this is a clinically significant region of the protein, and that variants that disrupt it are likely to be disease-causing. For these reasons, this variant has been classified as Pathogenic.

Literature cited by the submitters: PubMed 21840889; PubMed 24078732; PubMed 29858556.

NM_181882.3(PRX):c.2362A>T (p.Lys788Ter)

Gene: PRX (periaxin; minus strand). Cytogenetic location: 19q13.2.
Variant type: single nucleotide variant.
Coding change: c.2362A>T on transcript NM_181882.3 (MANE Select); coding-DNA position 2362, A replaced by T.
Protein change: p.Lys788Ter; replaces lysine 788 with a stop codon.
Molecular consequence: nonsense. On other transcripts: 3 prime UTR variant (1).
Genome position (GRCh38, 1-based): chr19:40,395,990, T>A on the plus strand (A>T on the coding strand, the complement: PRX is on the minus strand). VCF-style: chr19-40395990-T-A. GRCh37 (hg19) VCF-style: chr19-40901897-T-A.
Other names: c.2647A>T, p.Lys883Ter (NM_001411127.1); c.*2567A>T (NM_020956.2); short protein forms K883*, K788*.
Identifiers: ClinVar variation 2703425 (VCV002703425.3), dbSNP rs2514803553, ClinGen allele CA405896455.